The following is an entry in ClinVar:

ClinVar aggregate classification (germline): Uncertain significance. Review status: criteria provided, multiple submitters, no conflicts (2 of 4 stars). 2 submissions from 2 submitters: Uncertain significance (2). Last evaluated 2025-08-01.

Conditions:
Primary ciliary dyskinesia. Also called: Ciliary dyskinesia. Identifiers: Orphanet 244, MedGen C0008780, MONDO:0016575, HP:0012265.

Allele frequency attached by ClinVar (database versions not stated): gnomAD 0.00001; TOPMed 0.00001; gnomAD exomes 0.00002 and 0.00004; ExAC 0.00003.

Submissions (2):

Labcorp Genetics (formerly Invitae), Labcorp
Classification: Uncertain significance for Primary ciliary dyskinesia. Last evaluated: 2025-08-01. Review status: criteria provided, single submitter. Criteria: Invitae Variant Classification Sherloc (09022015). Collection method: clinical testing. Allele origin: germline.
Comment: This sequence change replaces glycine, which is neutral and non-polar, with serine, which is neutral and polar, at codon 3762 of the DNAH8 protein (p.Gly3762Ser). This variant is present in population databases (rs745615652, gnomAD 0.004%). This variant has not been reported in the literature in individuals affected with DNAH8-related conditions. ClinVar contains an entry for this variant (Variation ID: 525450). Invitae Evidence Modeling of protein sequence and biophysical properties (such as structural, functional, and spatial information, amino acid conservation, physicochemical variation, residue mobility, and thermodynamic stability) indicates that this missense variant is not expected to disrupt DNAH8 protein function with a negative predictive value of 80%. Algorithms developed to predict the effect of sequence changes on RNA splicing suggest that this variant may disrupt the consensus splice site. In summary, the available evidence is currently insufficient to determine the role of this variant in disease. Therefore, it has been classified as a Variant of Uncertain Significance.

Ambry Genetics
Classification: Uncertain significance. Last evaluated: 2022-06-28. Review status: criteria provided, single submitter. Criteria: Ambry Variant Classification Scheme 2023. Collection method: clinical testing. Allele origin: germline.

NM_001206927.2(DNAH8):c.11284G>A (p.Gly3762Ser)

Genes: DNAH8 (dynein axonemal heavy chain 8; plus strand), DNAH8-AS1 (DNAH8 antisense RNA 1; minus strand). Cytogenetic location: 6p21.2.
Variant type: single nucleotide variant.
Coding change: c.11284G>A on transcript NM_001206927.2 (MANE Select); coding-DNA position 11284, G replaced by A.
Protein change: p.Gly3762Ser; replaces glycine 3762 with serine.
Molecular consequence: missense variant.
Genome position (GRCh38, 1-based): chr6:38,931,820, G>A. VCF-style: chr6-38931820-G-A. GRCh37 (hg19) VCF-style: chr6-38899596-G-A.
Other names: c.10633G>A, p.Gly3545Ser (NM_001371.4); short protein forms G3762S, G3545S.
Identifiers: ClinVar variation 525450 (VCV000525450.10), dbSNP rs745615652, ClinGen allele CA3791010.